The following is an entry in ClinVar:

ClinVar aggregate classification (germline): Benign (1 of 4 stars; one submission).

Allele frequency attached by ClinVar (database versions not stated): ESP Exome Variant Server 0.00085; 1000 Genomes Project 30x 0.00125; 1000 Genomes Project 0.00180; ExAC 0.00180.
gnomAD v4.1: 1,708 of 1,611,492 alleles (0.11%); highest among the groups gnomAD compares: South Asian, 0.25%; 3 homozygotes.

Submission:

CeGaT Center for Human Genetics Tuebingen
Classification: Benign. Last evaluated: 2022-07-01. Review status: criteria provided, single submitter. Criteria: CeGaT Center For Human Genetics Tuebingen Variant Classification Criteria Version 2. Collection method: clinical testing. Allele origin: germline. Affected: yes. Observed: 1 variant allele.
Comment: CROCC: BP4, BS1, BS2

NM_014675.5(CROCC):c.819C>G (p.His273Gln)

Gene: CROCC (ciliary rootlet coiled-coil, rootletin; plus strand). Cytogenetic location: 1p36.13.
Variant type: single nucleotide variant.
Coding change: c.819C>G on transcript NM_014675.5 (MANE Select); coding-DNA position 819, C replaced by G.
Protein change: p.His273Gln; replaces histidine 273 with glutamine.
Molecular consequence: missense variant.
Genome position (GRCh38, 1-based): chr1:16,930,564, C>G. VCF-style: chr1-16930564-C-G. GRCh37 (hg19) VCF-style: chr1-17257059-C-G.
Other names: short protein forms H273Q.
Identifiers: ClinVar variation 2638368 (VCV002638368.24), dbSNP rs144639188, ClinGen allele CA634195.